The following is an entry in ClinVar:

ClinVar aggregate classification (germline): Uncertain significance (1 of 4 stars; one submission).

gnomAD v4.1: 2 of 1,614,214 alleles (0.00012%); highest among the groups gnomAD compares: Admixed American, 0.0033%; no homozygotes.

Submission:

Athena Diagnostics
Classification: Uncertain significance. Last evaluated: 2023-12-15. Review status: criteria provided, single submitter. Criteria: Athena Diagnostics Criteria. Collection method: clinical testing. Allele origin: unknown.
Comment: Available data are insufficient to determine the clinical significance of the variant at this time. The frequency of this variant in the general population is uninformative in assessment of its pathogenicity. Computational tools disagree on the variant's effect on normal protein function.

NM_198994.3(TGM6):c.506A>G (p.Glu169Gly)

Gene: TGM6 (transglutaminase 6; plus strand). Cytogenetic location: 20p13.
Variant type: single nucleotide variant.
Coding change: c.506A>G on transcript NM_198994.3 (MANE Select); coding-DNA position 506, A replaced by G.
Protein change: p.Glu169Gly; replaces glutamic acid 169 with glycine.
Molecular consequence: missense variant.
Genome position (GRCh38, 1-based): chr20:2,396,587, A>G. VCF-style: chr20-2396587-A-G. GRCh37 (hg19) VCF-style: chr20-2377233-A-G.
Other names: c.506A>G, p.Glu169Gly (NM_001254734.2); short protein forms E169G.
Identifiers: ClinVar variation 3571913 (VCV003571913.1).
Genomic context (GRCh38, chr20:2,396,587, plus strand): 5'-CAGAGGAGGAGAGACAGGAGTACGTGCTCAGCGACAGCGGCATCATCTTCCGAGGCGTGG[A>G]GAAGCACATACGAGCCCAGGGCTGGAACTACGGGCAGGTCTCCAGGGGCACAGGCCAGAC-3'
Protein context (NP_945345.2, residues 159-179): SDSGIIFRGV[Glu169Gly]KHIRAQGWNY